The following is an entry in ClinVar:

ClinVar aggregate classification (germline): Uncertain significance (1 of 4 stars; one submission).

Conditions:
DICER1-related tumor predisposition. Also called: DICER1-related pleuropulmonary blastoma cancer predisposition syndrome; DICER1 syndrome. Identifiers: Orphanet 284343, MedGen C3839822, MONDO:0100216.

gnomAD v4.1: 2 of 1,614,016 alleles (0.00012%); highest among the groups gnomAD compares: Non-Finnish European, 0.00017%; no homozygotes.

Submission:

Labcorp Genetics (formerly Invitae), Labcorp
Classification: Uncertain significance for DICER1-related tumor predisposition. Last evaluated: 2021-10-07. Review status: criteria provided, single submitter. Criteria: Invitae Variant Classification Sherloc (09022015). Collection method: clinical testing. Allele origin: germline.
Comment: This variant has not been reported in the literature in individuals affected with DICER1-related conditions. This variant is not present in population databases (ExAC no frequency). This sequence change replaces alanine with proline at codon 553 of the DICER1 protein (p.Ala553Pro). The alanine residue is highly conserved and there is a small physicochemical difference between alanine and proline. In summary, the available evidence is currently insufficient to determine the role of this variant in disease. Therefore, it has been classified as a Variant of Uncertain Significance. Algorithms developed to predict the effect of missense changes on protein structure and function (SIFT, PolyPhen-2, Align-GVGD) all suggest that this variant is likely to be disruptive.

NM_177438.3(DICER1):c.1657G>C (p.Ala553Pro)

Gene: DICER1 (dicer 1, ribonuclease III; minus strand). Cytogenetic location: 14q32.13.
Variant type: single nucleotide variant.
Coding change: c.1657G>C on transcript NM_177438.3 (MANE Select); coding-DNA position 1657, G replaced by C.
Protein change: p.Ala553Pro; replaces alanine 553 with proline.
Molecular consequence: missense variant.
Genome position (GRCh38, 1-based): chr14:95,116,548, C>G on the plus strand (G>C on the coding strand, the complement: DICER1 is on the minus strand). VCF-style: chr14-95116548-C-G. GRCh37 (hg19) VCF-style: chr14-95582885-C-G.
Other names: c.1657G>C, p.Ala553Pro (NM_001195573.1, NM_001271282.3, NM_001291628.2 and 1 more transcripts); short protein forms A553P.
Identifiers: ClinVar variation 1495047 (VCV001495047.7), dbSNP rs2140124156, ClinGen allele CA390884860.
Genomic context (GRCh38, chr14:95,116,548, plus strand): 5'-CAAAACTTTTTATTTTGTCTGTATCCGCTAACATTATATAATTAGAGATGGGTGCCCTTG[C>G]TCTTCCTTTAGATTGAACATAGGATCGATATTCTGTGGGCAAATCAAAACGAACCACCAA-3'
Protein context (NP_803187.1, residues 543-563): YRSYVQSKGR[Ala553Pro]RAPISNYIML